The following is an entry in ClinVar:

ClinVar aggregate classification (germline): Likely benign. Review status: criteria provided, multiple submitters, no conflicts (2 of 4 stars). 3 submissions from 3 submitters: Likely benign (2). 1 of the submissions does not count toward it. Last evaluated 2025-07-30.

Conditions:
SLC16A1-related disorder. Also called: SLC16A1-related disorders; SLC16A1-related condition.

Submissions (3):

Labcorp Genetics (formerly Invitae), Labcorp
Classification: Likely benign. Last evaluated: 2025-07-30. Review status: criteria provided, single submitter. Criteria: Invitae Variant Classification Sherloc (09022015). Collection method: clinical testing. Allele origin: germline.

Blueprint Genetics
Classification: Likely benign. Last evaluated: 2024-10-09. Review status: criteria provided, single submitter. Criteria: ACMG Guidelines, 2015. Collection method: clinical testing. Allele origin: germline.

PreventionGenetics, part of Exact Sciences
Classification: Likely benign for SLC16A1-related condition. Last evaluated: 2021-09-18. Review status: no assertion criteria provided. Collection method: clinical testing. Allele origin: germline. Not counted in ClinVar's aggregate classification.
Comment: This variant is classified as likely benign based on ACMG/AMP sequence variant interpretation guidelines (Richards et al. 2015 PMID: 25741868, with internal and published modifications).

NM_003051.4(SLC16A1):c.362-11_362-10insTTTATTTC

Gene: SLC16A1 (solute carrier family 16 member 1; minus strand). Cytogenetic location: 1p13.2.
Variant type: Insertion.
Coding change: c.362-11_362-10insTTTATTTC on transcript NM_003051.4 (MANE Select); 11 bases into the intron before coding-DNA position 362 through 10 bases into the intron before coding-DNA position 362, TTTATTTC inserted.
Molecular consequence: intron variant.
Genome position: GRCh38 VCF-style: chr1-112918054-C-CAATAAAGA. GRCh37 (hg19) VCF-style: chr1-113460676-C-CAATAAAGA.
Other names: c.362-11_362-10insTTTATTTC (NM_001166496.2); c.362-11_362-10insTCTTTATT (NM_003051.3).
Identifiers: ClinVar variation 1664847 (VCV001664847.11), dbSNP rs1355317965, ClinGen allele CA885684211.
Genomic context (GRCh38, chr1:112,918,054, plus strand): 5'-ACTTGCCAATCATGGTCAGAGCTGGATTCAAGTTGAAGGCAAGCCCAAGACCTGTGAAGA[C>CAATAAAGA]AATAAATAAATAAATAAATAAATAAATAAATAAATAAATAAATAAATAATAAGAGGTATA-3'